The following is an entry in ClinVar:

NM_001384140.1(PCDH15):c.3497T>A (p.Val1166Glu)

Gene: PCDH15 (protocadherin related 15; minus strand). Cytogenetic location: 10q21.1.
Variant type: single nucleotide variant.
Coding change: c.3497T>A on transcript NM_001384140.1 (MANE Select); coding-DNA position 3497, T replaced by A.
Protein change: p.Val1166Glu; replaces valine 1166 with glutamic acid.
Molecular consequence: missense variant.
Genome position (GRCh38, 1-based): chr10:53,903,247, A>T on the plus strand (T>A on the coding strand, the complement: PCDH15 is on the minus strand). VCF-style: chr10-53903247-A-T. GRCh37 (hg19) VCF-style: chr10-55663007-A-T.
Other names: c.3512T>A, p.Val1171Glu (NM_001142763.2, NM_001142771.2); c.3497T>A, p.Val1166Glu (NM_001142764.2, NM_001142766.2, NM_001142770.3 and 4 more transcripts); c.3284T>A, p.Val1095Glu (NM_001142765.2); c.3386T>A, p.Val1129Glu (NM_001142767.2); c.3431T>A, p.Val1144Glu (NM_001142768.2, NM_001142773.2, NM_001354404.2); c.3533T>A, p.Val1178Glu (NM_001142769.4); c.3518T>A, p.Val1173Glu (NM_001354411.2); short protein forms V1144E, V1166E, V1171E, V1173E, V1178E, V1095E, V1129E.
Identifiers: ClinVar variation 1491699 (VCV001491699.4), dbSNP rs1469221801, ClinGen allele CA376525300.
Genomic context (GRCh38, chr10:53,903,247, plus strand): 5'-ATCTGCAAAACCTGAGCTTTTACTTTAGTTCTGTATATTAACATAATTCCGCATACCTTC[A>T]CTCTGAGTACAGAAGTAAACATTCTTGCATCTTCAGATACACCTCCGATGTAGAATTTTT-3'
Protein context (NP_001371069.1, residues 1156-1176): DARMFTSVLR[Val1166Glu]KATDKDTGNY

ClinVar aggregate classification (germline): Uncertain significance (1 of 4 stars; one submission).

Allele frequency attached by ClinVar (database versions not stated): gnomAD 0.00001.
gnomAD v4.1: 11 of 1,612,668 alleles (0.00068%); highest among the groups gnomAD compares: African/African-American, 0.0013%; no homozygotes.

Submission:

Labcorp Genetics (formerly Invitae), Labcorp
Classification: Uncertain significance. Last evaluated: 2023-12-11. Review status: criteria provided, single submitter. Criteria: Invitae Variant Classification Sherloc (09022015). Collection method: clinical testing. Allele origin: germline.
Comment: This sequence change replaces valine, which is neutral and non-polar, with glutamic acid, which is acidic and polar, at codon 1166 of the PCDH15 protein (p.Val1166Glu). This variant is not present in population databases (gnomAD no frequency). This variant has not been reported in the literature in individuals affected with PCDH15-related conditions. ClinVar contains an entry for this variant (Variation ID: 1491699). Advanced modeling of protein sequence and biophysical properties (such as structural, functional, and spatial information, amino acid conservation, physicochemical variation, residue mobility, and thermodynamic stability) performed at Invitae indicates that this missense variant is expected to disrupt PCDH15 protein function with a positive predictive value of 80%. In summary, the available evidence is currently insufficient to determine the role of this variant in disease. Therefore, it has been classified as a Variant of Uncertain Significance.